The following is an entry in ClinVar:

ClinVar aggregate classification (germline): Uncertain significance (0 of 4 stars; one submission).

Conditions:
PKD1-related disorder. Also called: PKD1-related condition.

Allele frequency attached by ClinVar (database versions not stated): gnomAD exomes below 0.00001; ExAC 0.00001.
gnomAD v4.1: 6 of 1,610,730 alleles (0.00037%); highest among the groups gnomAD compares: African/African-American, 0.0013%; no homozygotes.

Submission:

PreventionGenetics, part of Exact Sciences
Classification: Uncertain significance for PKD1-related condition. Last evaluated: 2024-02-02. Review status: no assertion criteria provided. Collection method: clinical testing. Allele origin: germline.
Comment: The PKD1 c.9632C>T variant is predicted to result in the amino acid substitution p.Ala3211Val. To our knowledge, this variant has not been reported in the literature or in a large population database, indicating this variant is rare. Of note, the p.Ala3211 residue is weakly conserved during evolution. At this time, the clinical significance of this variant is uncertain due to the absence of conclusive functional and genetic evidence.

NM_001009944.3(PKD1):c.9632C>T (p.Ala3211Val)

Gene: PKD1 (polycystin 1, transient receptor potential channel interacting; minus strand). Cytogenetic location: 16p13.3.
Variant type: single nucleotide variant.
Coding change: c.9632C>T on transcript NM_001009944.3 (MANE Select); coding-DNA position 9632, C replaced by T.
Protein change: p.Ala3211Val; replaces alanine 3211 with valine.
Molecular consequence: missense variant.
Genome position (GRCh38, 1-based): chr16:2,100,246, G>A on the plus strand (C>T on the coding strand, the complement: PKD1 is on the minus strand). VCF-style: chr16-2100246-G-A. GRCh37 (hg19) VCF-style: chr16-2150247-G-A.
Other names: c.9632C>T, p.Ala3211Val (NM_000296.4); short protein forms A3211V.
Identifiers: ClinVar variation 3031801 (VCV003031801.2), dbSNP rs758715089, ClinGen allele CA7829990.